The following is an entry in ClinVar:

ClinVar aggregate classification (germline): Uncertain significance. Review status: criteria provided, multiple submitters, no conflicts (2 of 4 stars). 2 submissions from 2 submitters: Uncertain significance (2). Last evaluated 2025-05-01.

gnomAD v4.1: 1 of 1,208,289 alleles (0.000083%); highest among the groups gnomAD compares: Non-Finnish European, 0.00011%; no homozygotes.

Submissions (2):

CeGaT Center for Human Genetics Tuebingen
Classification: Uncertain significance. Last evaluated: 2025-05-01. Review status: criteria provided, single submitter. Criteria: CeGaT Center For Human Genetics Tuebingen Variant Classification Criteria Version 2. Collection method: clinical testing. Allele origin: germline. Affected: yes. Observed: 1 variant allele.
Comment: FMR1: PM2

GeneDx
Classification: Uncertain significance. Last evaluated: 2023-04-21. Review status: criteria provided, single submitter. Criteria: GeneDx Variant Classification Process June 2021. Collection method: clinical testing. Allele origin: germline. Affected: yes.
Comment: Not observed at significant frequency in large population cohorts (gnomAD); In silico analysis supports that this missense variant has a deleterious effect on protein structure/function; Has not been previously published as pathogenic or benign to our knowledge

NM_002024.6(FMR1):c.743C>T (p.Pro248Leu)

Gene: FMR1 (fragile X messenger ribonucleoprotein 1; plus strand). Cytogenetic location: Xq27.3.
Variant type: single nucleotide variant.
Coding change: c.743C>T on transcript NM_002024.6 (MANE Select); coding-DNA position 743, C replaced by T.
Protein change: p.Pro248Leu; replaces proline 248 with leucine.
Molecular consequence: missense variant. On other transcripts: non-coding transcript variant (2).
Genome position (GRCh38, 1-based): chrX:147,932,537, C>T. VCF-style: chrX-147932537-C-T. GRCh37 (hg19) VCF-style: chrX-147014056-C-T.
Other names: c.743C>T, p.Pro248Leu (NM_001185075.2, NM_001185076.2, NM_001185081.2 and 1 more transcripts); short protein forms P248L.
Identifiers: ClinVar variation 3343126 (VCV003343126.11).